The following is an entry in ClinVar:

ClinVar aggregate classification (germline): Pathogenic (1 of 4 stars; one submission).

Submission:

Labcorp Genetics (formerly Invitae), Labcorp
Classification: Pathogenic. Last evaluated: 2025-10-26. Review status: criteria provided, single submitter. Criteria: Invitae Variant Classification Sherloc (09022015). Collection method: clinical testing. Allele origin: germline.
Comment: This sequence change creates a premature translational stop signal (p.His21Glnfs*40) in the TRAK1 gene. It is expected to result in an absent or disrupted protein product. Loss-of-function variants in TRAK1 are known to be pathogenic (PMID: 28364549, 28940097). This variant is not present in population databases (gnomAD no frequency). This variant has not been reported in the literature in individuals affected with TRAK1-related conditions. ClinVar contains an entry for this variant (Variation ID: 3721550). For these reasons, this variant has been classified as Pathogenic.

Literature cited by the submitters: PubMed 28364549; PubMed 28940097.

NM_001042646.3(TRAK1):c.52_62dup (p.His21fs)

Gene: TRAK1 (trafficking kinesin protein 1; plus strand). Cytogenetic location: 3p22.1.
Variant type: Duplication.
Coding change: c.52_62dup on transcript NM_001042646.3 (MANE Select); coding-DNA positions 52 to 62, 11 bases duplicated (GGACTCTGCCA).
Protein change: p.His21fs; shifts the reading frame from histidine 21.
Molecular consequence: frameshift variant. On other transcripts: intron variant (1).
Genome position (GRCh38, 1-based): chr3:42,091,521-42,091,531, GGACTCTGCCA duplicated; duplicating any 11 consecutive bases within chr3:42,091,513-42,091,531 gives the same sequence; the c. name uses the placement nearest the transcript's 3' end. VCF-style (leftmost placement, unchanged base first): chr3-42091512-C-CCTCTGCCAGGA. GRCh37 (hg19) VCF-style: chr3-42133004-C-CCTCTGCCAGGA.
Other names: c.52_62dup, p.His21fs (NM_001265608.2, NM_001349246.2, NM_001349247.2); c.-222+4121_-222+4131dup (NM_001349245.1); short protein forms H21fs.
Identifiers: ClinVar variation 3721550 (VCV003721550.2).
Genomic context (GRCh38, chr3:42,091,512, plus strand): 5'-TGGAGTTTATGTCTGCACATGGCATTGGTTTTTCAATTCGGGCAGCCCGTCAGGGCTCAG[C>CCTCTGCCAGGA]CTCTGCCAGGACTCTGCCACGGCAAGCTCATTCGGACAAACGCCTGTGGTAAGTTTGTTT-3'